The following is an entry in ClinVar:

ClinVar aggregate classification (germline): Benign. Review status: criteria provided, multiple submitters, no conflicts (2 of 4 stars). 3 submissions from 3 submitters: Benign (2). 1 of the submissions does not count toward it. Last evaluated 2026-01-17.

Conditions:
ATP1A1-related disorder. Also called: ATP1A1-related condition.

Allele frequency attached by ClinVar (database versions not stated): gnomAD 0.00057 and 0.00086; TOPMed 0.00111; ExAC 0.00184; gnomAD exomes 0.00213; 1000 Genomes Project 30x 0.00515; 1000 Genomes Project 0.00559.
gnomAD v4.1: 1,055 of 1,613,416 alleles (0.065%); highest among the groups gnomAD compares: East Asian, 2.1%; 9 homozygotes.

Submissions (3):

Labcorp Genetics (formerly Invitae), Labcorp
Classification: Benign. Last evaluated: 2026-01-17. Review status: criteria provided, single submitter. Criteria: Invitae Variant Classification Sherloc (09022015). Collection method: clinical testing. Allele origin: germline.

ARUP Laboratories, Molecular Genetics and Genomics, ARUP Laboratories
Classification: Benign. Last evaluated: 2025-04-28. Review status: criteria provided, single submitter. Criteria: ARUP Molecular Germline Variant Investigation Process 2024. Collection method: clinical testing. Allele origin: germline.

PreventionGenetics, part of Exact Sciences
Classification: Benign for ATP1A1-related condition. Last evaluated: 2019-05-24. Review status: no assertion criteria provided. Collection method: clinical testing. Allele origin: germline. Not counted in ClinVar's aggregate classification.
Comment: This variant is classified as benign based on ACMG/AMP sequence variant interpretation guidelines (Richards et al. 2015 PMID: 25741868, with internal and published modifications).

NM_000701.8(ATP1A1):c.1222+7C>G

Gene: ATP1A1 (ATPase Na+/K+ transporting subunit alpha 1; plus strand). Cytogenetic location: 1p13.1.
Variant type: single nucleotide variant.
Coding change: c.1222+7C>G on transcript NM_000701.8 (MANE Select); 7 bases into the intron after coding-DNA position 1222, C replaced by G.
Molecular consequence: intron variant.
Genome position (GRCh38, 1-based): chr1:116,390,418, C>G. VCF-style: chr1-116390418-C-G. GRCh37 (hg19) VCF-style: chr1-116933040-C-G.
Other names: c.1222+7C>G (NM_001160233.2, NM_000701.7); c.1129+7C>G (NM_001160234.2).
Identifiers: ClinVar variation 1548510 (VCV001548510.11), dbSNP rs28622933, ClinGen allele CA1025243.
Genomic context (GRCh38, chr1:116,390,418, plus strand): 5'-ACATGTGGTTTGACAATCAAATCCATGAAGCTGATACGACAGAGAATCAGAGTGGTAAGG[C>G]CAGGGTTACCACACACCTCAGCCACCTGCTGACTTCGCTTGGTTTTTTTTCTTTTAAGAA-3'